The following is an entry in ClinVar:

NM_000141.5(FGFR2):c.1786G>A (p.Glu596Lys)

Gene: FGFR2 (fibroblast growth factor receptor 2; minus strand). Cytogenetic location: 10q26.13.
Variant type: single nucleotide variant.
Coding change: c.1786G>A on transcript NM_000141.5 (MANE Select); coding-DNA position 1786, G replaced by A.
Protein change: p.Glu596Lys; replaces glutamic acid 596 with lysine.
Molecular consequence: missense variant. On other transcripts: non-coding transcript variant (1).
Genome position (GRCh38, 1-based): chr10:121,496,609, C>T on the plus strand (G>A on the coding strand, the complement: FGFR2 is on the minus strand). VCF-style: chr10-121496609-C-T. GRCh37 (hg19) VCF-style: chr10-123256123-C-T.
Other names: c.1519G>A, p.Glu507Lys (NM_001144915.2, NM_023029.3); c.1441G>A, p.Glu481Lys (NM_001144916.2, NM_001441090.1); c.1438G>A, p.Glu480Lys (NM_001144917.2); c.1435G>A, p.Glu479Lys (NM_001144918.2, NM_001441091.1); c.1522G>A, p.Glu508Lys (NM_001144919.2); c.1102G>A, p.Glu368Lys (NM_001320654.2); c.1780G>A, p.Glu594Lys (NM_001320658.2); c.1783G>A, p.Glu595Lys (NM_001441087.1); and 4 more; short protein forms E368K, E479K, E480K, E481K, E484K, E505K, E506K, E507K.
Identifiers: ClinVar variation 5016736 (VCV005016736.1).
Genomic context (GRCh38, chr10:121,496,609, plus strand): 5'-ACTCCATGCCTCTGGCCAGCTGGTAGGTGCATGACACCAAGTCCTTGAAGGTCATCTGCT[C>T]CTCAGGAACACGGTTAATGTCATAGGAGTACTCCATCCCGGGTGGCCTCCGGGCTCGGAG-3'
Protein context (NP_000132.3, residues 586-606): YSYDINRVPE[Glu596Lys]QMTFKDLVSC

ClinVar aggregate classification (germline): Uncertain significance (1 of 4 stars; one submission).

gnomAD v4.1: 2 of 1,613,550 alleles (0.00012%); highest among the groups gnomAD compares: Non-Finnish European, 0.00017%; no homozygotes.

Submission:

GeneDx
Classification: Uncertain significance. Last evaluated: 2026-03-30. Review status: criteria provided, single submitter. Criteria: GeneDx Variant Classification Process June 2021. Collection method: clinical testing. Allele origin: germline.
Comment: Has not been previously published as pathogenic or benign to our knowledge; Not observed at significant frequency in large population cohorts (gnomAD); In silico analysis supports that this missense variant has a deleterious effect on protein structure/function